The following is an entry in ClinVar:

ClinVar aggregate classification (germline): Uncertain significance (1 of 4 stars; one submission).

Submission:

GeneDx
Classification: Uncertain significance. Last evaluated: 2022-11-23. Review status: criteria provided, single submitter. Criteria: GeneDx Variant Classification Process June 2021. Collection method: clinical testing. Allele origin: germline. Affected: yes.
Comment: Not observed at significant frequency in large population cohorts (gnomAD); Missense variants in this gene are often considered pathogenic (HGMD); In silico analysis supports that this missense variant has a deleterious effect on protein structure/function; Has not been previously published as pathogenic or benign to our knowledge

NM_002524.5(NRAS):c.371C>T (p.Thr124Ile)

Gene: NRAS (NRAS proto-oncogene, GTPase; minus strand). Cytogenetic location: 1p13.2.
Variant type: single nucleotide variant.
Coding change: c.371C>T on transcript NM_002524.5 (MANE Select); coding-DNA position 371, C replaced by T.
Protein change: p.Thr124Ile; replaces threonine 124 with isoleucine.
Molecular consequence: missense variant.
Genome position (GRCh38, 1-based): chr1:114,709,648, G>A on the plus strand (C>T on the coding strand, the complement: NRAS is on the minus strand). VCF-style: chr1-114709648-G-A. GRCh37 (hg19) VCF-style: chr1-115252269-G-A.
Other names: short protein forms T124I.
Identifiers: ClinVar variation 2505906 (VCV002505906.1), dbSNP rs1658996738, ClinGen allele CA341739376.